The following is an entry in ClinVar:

NM_001145073.3(USP27X):c.483G>T (p.Arg161Ser)

Gene: USP27X (ubiquitin specific peptidase 27 X-linked; plus strand). Cytogenetic location: Xp11.23.
Variant type: single nucleotide variant.
Coding change: c.483G>T on transcript NM_001145073.3 (MANE Select); coding-DNA position 483, G replaced by T.
Protein change: p.Arg161Ser; replaces arginine 161 with serine.
Molecular consequence: missense variant.
Genome position (GRCh38, 1-based): chrX:49,880,790, G>T. VCF-style: chrX-49880790-G-T. GRCh37 (hg19) VCF-style: chrX-49645393-G-T.
Other names: short protein forms R161S.
Identifiers: ClinVar variation 3373496 (VCV003373496.1).

ClinVar aggregate classification (germline): Uncertain significance (1 of 4 stars; one submission).

Submission:

GeneDx
Classification: Uncertain significance. Last evaluated: 2024-02-28. Review status: criteria provided, single submitter. Criteria: GeneDx Variant Classification Process June 2021. Collection method: clinical testing. Allele origin: germline. Affected: yes.
Comment: Not observed at significant frequency in large population cohorts (gnomAD); Has not been previously published as pathogenic or benign to our knowledge; In-silico analysis is inconclusive as to whether the variant impacts protein structure/function. In the absence of functional studies, the actual effect of this sequence change is unknown